The following is an entry in ClinVar:

ClinVar aggregate classification (germline): Uncertain significance (1 of 4 stars; one submission).

Conditions:
Epileptic encephalopathy. Identifiers: MedGen C0543888, HP:0200134.

Allele frequency attached by ClinVar (database versions not stated): gnomAD exomes below 0.00001; TOPMed below 0.00001.
gnomAD v4.1: 2 of 1,613,950 alleles (0.00012%); highest among the groups gnomAD compares: Non-Finnish European, 0.00017%; no homozygotes.

Submission:

Labcorp Genetics (formerly Invitae), Labcorp
Classification: Uncertain significance for Epileptic encephalopathy. Last evaluated: 2020-03-19. Review status: criteria provided, single submitter. Criteria: Invitae Variant Classification Sherloc (09022015). Collection method: clinical testing. Allele origin: germline.
Comment: This sequence change replaces valine with leucine at codon 1294 of the RYR3 protein (p.Val1294Leu). The valine residue is highly conserved and there is a small physicochemical difference between valine and leucine. This variant is not present in population databases (ExAC no frequency). This variant has not been reported in the literature in individuals with RYR3-related conditions. Algorithms developed to predict the effect of missense changes on protein structure and function are either unavailable or do not agree on the potential impact of this missense change (SIFT: "Deleterious"; PolyPhen-2: "Benign"; Align-GVGD: "Class C0"). In summary, the available evidence is currently insufficient to determine the role of this variant in disease. Therefore, it has been classified as a Variant of Uncertain Significance.

NM_001036.6(RYR3):c.3880G>C (p.Val1294Leu)

Gene: RYR3 (ryanodine receptor 3; plus strand). Cytogenetic location: 15q14.
Variant type: single nucleotide variant.
Coding change: c.3880G>C on transcript NM_001036.6 (MANE Select); coding-DNA position 3880, G replaced by C.
Protein change: p.Val1294Leu; replaces valine 1294 with leucine.
Molecular consequence: missense variant.
Genome position (GRCh38, 1-based): chr15:33,646,465, G>C. VCF-style: chr15-33646465-G-C. GRCh37 (hg19) VCF-style: chr15-33938666-G-C.
Other names: c.3880G>C, p.Val1294Leu (NM_001243996.4); short protein forms V1294L.
Identifiers: ClinVar variation 1040521 (VCV001040521.8), dbSNP rs2062109034, ClinGen allele CA391577380.